The following is an entry in ClinVar:

ClinVar aggregate classification (germline): Uncertain significance (1 of 4 stars; one submission).

Conditions:
Renal cysts and diabetes syndrome (RCAD). Also called: Familial hypoplastic, glomerulocystic kidney; MATURITY-ONSET DIABETES OF THE YOUNG, TYPE 5. Identifiers: Orphanet 93111, MedGen C0431693, MONDO:0007669, OMIM 137920.

Submission:

Institute of Human Genetics, FAU Erlangen, Friedrich-Alexander-Universität Erlangen-Nürnberg
Classification: Uncertain significance for Renal cysts and diabetes syndrome. Last evaluated: 2019-07-06. Review status: criteria provided, single submitter. Criteria: ACMG Guidelines, 2015. Collection method: literature only. Allele origin: germline. Affected: yes.
Comment: This variant and it's classification has been reported by Vasileiou et al. 2019; DOI:10.1101/576918. The variants has previously been reported in DOI:10.1093/ckj/sfy102 as "c.589A>C; p.Ser197Arg " with clinical significance Pathogenic. It has been re-classified using InterVar and manual curation as Uncertain significance based on PM2 PP3 PP5.

Literature cited by the submitters: DOI 10.1093/ckj/sfy102; DOI 10.1101/576918.

NM_000458.4(HNF1B):c.589A>C (p.Ser197Arg)

Genes: HNF1B (HNF1 homeobox B; minus strand), LOC126862549 (BRD4-independent group 4 enhancer GRCh37_chr17:36093401-36094600; plus strand). Cytogenetic location: 17q12.
Variant type: single nucleotide variant.
Coding change: c.589A>C on transcript NM_000458.4 (MANE Select); coding-DNA position 589, A replaced by C.
Protein change: p.Ser197Arg; replaces serine 197 with arginine.
Molecular consequence: missense variant. On other transcripts: intron variant (2).
Genome position (GRCh38, 1-based): chr17:37,733,777, T>G on the plus strand (A>C on the coding strand, the complement: HNF1B is on the minus strand). VCF-style: chr17-37733777-T-G. GRCh37 (hg19) VCF-style: chr17-36093770-T-G.
Other names: c.545-34A>C (NM_001304286.2, NM_001165923.4); short protein forms S197R.
Identifiers: ClinVar variation 635667 (VCV000635667.1), dbSNP rs2511810120, ClinGen allele CA398749805.
Genomic context (GRCh38, chr17:37,733,777, plus strand): 5'-CAGGCCCATGGCTCTGTTGACTGAACTCTGGAAAGAGAAACAGCAGCTGATCCTGACTGC[T>G]TTTGTCTGTCATATTTCCAGAACTCTGGACTGTCTGGTTGAATTCTGAAAAGAGAAAGGA-3'
Protein context (NP_000449.1, residues 187-207): VQSSGNMTDK[Ser197Arg]SQDQLLFLFP